The following is an entry in ClinVar:

NM_016562.4(TLR7):c.1070G>A (p.Arg357His)

Gene: TLR7 (toll like receptor 7; plus strand). Cytogenetic location: Xp22.2.
Variant type: single nucleotide variant.
Coding change: c.1070G>A on transcript NM_016562.4 (MANE Select); coding-DNA position 1070, G replaced by A.
Protein change: p.Arg357His; replaces arginine 357 with histidine.
Molecular consequence: missense variant.
Genome position (GRCh38, 1-based): chrX:12,886,578, G>A. VCF-style: chrX-12886578-G-A. GRCh37 (hg19) VCF-style: chrX-12904697-G-A.
Other names: short protein forms R357H.
Identifiers: ClinVar variation 2779074 (VCV002779074.3), dbSNP rs781601963, ClinGen allele CA10349994.

ClinVar aggregate classification (germline): Uncertain significance (1 of 4 stars; one submission).

Allele frequency attached by ClinVar (database versions not stated): gnomAD exomes below 0.00001; ExAC 0.00001; gnomAD 0.00003; TOPMed 0.00003.
gnomAD v4.1: 7 of 1,210,210 alleles (0.00058%); highest among the groups gnomAD compares: African/African-American, 0.007%; no homozygotes.

Submission:

Labcorp Genetics (formerly Invitae), Labcorp
Classification: Uncertain significance. Last evaluated: 2023-04-09. Review status: criteria provided, single submitter. Criteria: Invitae Variant Classification Sherloc (09022015). Collection method: clinical testing. Allele origin: germline.
Comment: Algorithms developed to predict the effect of missense changes on protein structure and function output the following: SIFT: "Not Available"; PolyPhen-2: "Benign"; Align-GVGD: "Not Available". The histidine amino acid residue is found in multiple mammalian species, which suggests that this missense change does not adversely affect protein function. In summary, the available evidence is currently insufficient to determine the role of this variant in disease. Therefore, it has been classified as a Variant of Uncertain Significance. Experimental studies have shown that this missense change does not substantially affect TLR7 function (PMID: 34413140). This missense change has been observed in individual(s) with severe COVID-19 infection (PMID: 34413140). This variant is present in population databases (rs781601963, gnomAD 0.02%). This sequence change replaces arginine, which is basic and polar, with histidine, which is basic and polar, at codon 357 of the TLR7 protein (p.Arg357His).

Literature cited by the submitters: PubMed 34413140.